The following is an entry in ClinVar:

ClinVar aggregate classification (germline): Likely benign. Review status: criteria provided, multiple submitters, no conflicts (2 of 4 stars). 3 submissions from 3 submitters: Likely benign (3). Last evaluated 2026-03-12.

Conditions:
Charcot-Marie-Tooth disease dominant intermediate B (CMTDIB). Also called: CHARCOT-MARIE-TOOTH NEUROPATHY, DOMINANT INTERMEDIATE B; Charcot-Marie-Tooth disease dominant intermediate 1; CMT DI1; Charcot-Marie-Tooth disease dominant intermediate I. Identifiers: Orphanet 100044, Orphanet 228179, MedGen C1847902, MONDO:0011674, OMIM 606482.
DNM2-related disorder. Also called: DNM2-related condition.

Allele frequency attached by ClinVar (database versions not stated): gnomAD 0.00001; gnomAD exomes 0.00001; ExAC 0.00006.
gnomAD v4.1: 13 of 1,611,776 alleles (0.00081%); highest among the groups gnomAD compares: Admixed American, 0.0033%; no homozygotes.

Submissions (3):

PreventionGenetics, part of Exact Sciences
Classification: Likely benign for DNM2-related condition. Last evaluated: 2026-03-12. Review status: criteria provided, single submitter. Criteria: ACMG Guidelines, 2015. Collection method: clinical testing. Allele origin: germline.
Comment: This variant is classified as likely benign based on ACMG/AMP sequence variant interpretation guidelines (Richards et al. 2015 PMID: 25741868, with internal and published modifications).

Labcorp Genetics (formerly Invitae), Labcorp
Classification: Likely benign for Charcot-Marie-Tooth disease dominant intermediate B. Last evaluated: 2024-03-22. Review status: criteria provided, single submitter. Criteria: Invitae Variant Classification Sherloc (09022015). Collection method: clinical testing. Allele origin: germline.

Breakthrough Genomics
Classification: Likely benign. Review status: criteria provided, single submitter. Criteria: ACMG Guidelines, 2015. Collection method: not provided. Allele origin: germline. Inheritance: Autosomal recessive inheritance. Affected: yes.

NM_001005361.3(DNM2):c.2059-4G>A

Genes: DNM2 (dynamin 2; plus strand), MIR6793 (microRNA 6793; plus strand). Cytogenetic location: 19p13.2.
Variant type: single nucleotide variant.
Coding change: c.2059-4G>A on transcript NM_001005361.3 (MANE Select); 4 bases into the intron before coding-DNA position 2059, G replaced by A.
Molecular consequence: intron variant. On other transcripts: non-coding transcript variant (1).
Genome position (GRCh38, 1-based): chr19:10,829,032, G>A. VCF-style: chr19-10829032-G-A. GRCh37 (hg19) VCF-style: chr19-10939708-G-A.
Other names: c.2059-4G>A (NM_001005360.3, NM_001190716.2, NM_001005360.2); c.2047-4G>A (NM_004945.4, NM_001005362.3).
Identifiers: ClinVar variation 1129745 (VCV001129745.11), dbSNP rs755212019, ClinGen allele CA9201516.